The following is an entry in ClinVar:

ClinVar aggregate classification (germline): Uncertain significance (1 of 4 stars; one submission).

Conditions:
Nonsyndromic congenital nail disorder 3 (NDNC3). Also called: LEUKONYCHIA TOTALIS AND/OR PARTIALIS; Nail disorder, nonsyndromic congenital, 3, (leukonychia). Identifiers: MedGen C0544855, MONDO:0007900, OMIM 151600.

gnomAD v4.1: 1 of 1,614,232 alleles (0.000062%); no homozygotes.

Submission:

3billion
Classification: Uncertain significance for Nonsyndromic congenital nail disorder 3. Last evaluated: 2022-01-03. Review status: criteria provided, single submitter. Criteria: ACMG Guidelines, 2015. Collection method: clinical testing. Allele origin: germline. Affected: yes. Observed: 1 homozygote.
Comment: The variant not observed in the gnomAD v2.1.1 dataset (PM2_M). In silico tool predictions suggest damaging effect of the variant on gene or gene product (REVEL: 0.695, 3CNET: 0.936, PP3_P). Therefore, this variant is classified as uncertain significance according to the recommendation of ACMG/AMP guideline.

NM_006225.4(PLCD1):c.1016G>T (p.Cys339Phe)

Gene: PLCD1 (phospholipase C delta 1; minus strand). Cytogenetic location: 3p22.2.
Variant type: single nucleotide variant.
Coding change: c.1016G>T on transcript NM_006225.4 (MANE Select); coding-DNA position 1016, G replaced by T.
Protein change: p.Cys339Phe; replaces cysteine 339 with phenylalanine.
Molecular consequence: missense variant. On other transcripts: non-coding transcript variant (1).
Genome position (GRCh38, 1-based): chr3:38,010,252, C>A on the plus strand (G>T on the coding strand, the complement: PLCD1 is on the minus strand). VCF-style: chr3-38010252-C-A. GRCh37 (hg19) VCF-style: chr3-38051743-C-A.
Other names: c.1079G>T, p.Cys360Phe (NM_001130964.2); short protein forms C339F, C360F.
Identifiers: ClinVar variation 1333358 (VCV001333358.1), dbSNP rs2125544142, ClinGen allele CA352114725.
Genomic context (GRCh38, chr3:38,010,252, plus strand): 5'-GTATAGCCGTGGTAGATGATTGGTTCCTGGTTGGGCCCGTCCCAGCAGTCAAGCTCCAGG[C>A]ATCGGCAGCCTTTGCACAGTGCCCTGCGGGGAGGGTGGTGGCTAGGACCCTCCAGGTCCT-3'
Protein context (NP_006216.2, residues 329-349): YIRALCKGCR[Cys339Phe]LELDCWDGPN